The following is an entry in ClinVar:

ClinVar aggregate classification (germline): Pathogenic (1 of 4 stars; one submission).

Conditions:
Ehlers-Danlos syndrome, type 4 (EDSVASC). Also called: Ehlers-Danlos syndrome vascular type; Ehlers Danlos syndrome, ecchymotic type; Ehlers Danlos syndrome, arterial type; Ehlers Danlos syndrome, Sack-Barabas type; Ehlers-Danlos Syndrome Type IV. Identifiers: Orphanet 286, MedGen C0268338, MONDO:0017314, OMIM 130050.

Submission:

Victorian Clinical Genetics Services, Murdoch Childrens Research Institute
Classification: Pathogenic for Ehlers-Danlos syndrome, type 4. Last evaluated: 2022-06-24. Review status: criteria provided, single submitter. Criteria: ACMG Guidelines, 2015. Collection method: clinical testing. Allele origin: germline. Inheritance: Autosomal dominant inheritance.
Comment: Based on the classification scheme VCGS_Germline_v1.3.4, this variant is classified as Pathogenic. Following criteria are met: 0103 - Dominant negative and loss of function are known mechanisms of disease in this gene and are associated with COL3A1-related disease. Missense variants affecting glycine residues of the Gly-X-Y triplet repeat within the triple helical region exert dominant-negative effects whilst variants resulting in protein termination codon lead to haploinsufficiency and a milder clinical course in patients with Ehlers-Danlos syndrome (EDS) (PMID: 25758994). Complete loss of function biallelic variants have been reported in patients with polymicrogyria with or without vascular-type EDS (PMID: 28742248). (I) 0108 - This gene is associated with both recessive and dominant disease: polymicrogyria with or without vascular-type EDS (MIM#618343) and Ehlers-Danlos syndrome, vascular type (MIM#130050), respectively (OMIM). (I) 0115 - Variants in this gene are known to have variable expressivity. Null alleles have been reported to have reduced penetrance and variable expressivity compared to missense variants and may confer milder disease with delayed onset (PMID: 21637106; 28742248). (I) 0201 - Variant is predicted to cause nonsense-mediated decay (NMD) and loss of protein (premature termination codon is located at least 54 nucleotides upstream of the final exon-exon junction). (SP) 0251 - This variant is heterozygous. (I) 0301 - Variant is absent from gnomAD (both v2 and v3). (SP) 0701 - Other NMD-predicted variants comparable to the one identified in this case have very strong previous evidence for pathogenicity and have been reported in patients with COL3A1-related disease (ClinVar; PMID: 25758994). (SP) 0807 - This variant has no previous evidence of pathogenicity. (I) 0905 - No published segregation evidence has been identified for this variant. (I) 1007 - No published functional evidence has been identified for this variant. (I) 1208 - Inheritance information for this variant is not currently available in this individual. (I) Legend: (SP) - Supporting pathogenic, (I) - Information, (SB) - Supporting benign

Literature cited by the submitters: PubMed 21637106; PubMed 25758994; PubMed 28742248.

NM_000090.4(COL3A1):c.2798dup (p.Ser934fs)

Gene: COL3A1 (collagen type III alpha 1 chain; plus strand). Cytogenetic location: 2q32.2.
Variant type: Duplication.
Coding change: c.2798dup on transcript NM_000090.4 (MANE Select); coding-DNA position 2798, one base duplicated (G; older notation c.2798dupG).
Protein change: p.Ser934fs; shifts the reading frame from serine 934.
Molecular consequence: frameshift variant.
Genome position (GRCh38, 1-based): chr2:189,004,118, G duplicated; the last of 3 consecutive G bases (chr2:189,004,116-189,004,118); duplicating any one gives the same sequence. VCF-style (leftmost placement, unchanged base first): chr2-189004115-A-AG. GRCh37 (hg19) VCF-style: chr2-189868841-A-AG.
Other names: c.2798dupG (NM_000090.3); short protein forms S934fs.
Identifiers: ClinVar variation 3376838 (VCV003376838.1).
Genomic context (GRCh38, chr2:189,004,115, plus strand): 5'-GTGCTCCTGGCAGCCCTGGAGTGTCTGGACCAAAAGGTGATGCTGGCCAACCAGGAGAGA[A>AG]GGGATCGCCTGGTGCCCAGGGCCCACCAGTAAGTAACTTCATTTTTTTAAATTGATTCTA-3'